The following is an entry in ClinVar:

NM_052867.4(NALCN):c.591_592insTA (p.Gln198fs)

Gene: NALCN (sodium leak channel, non-selective; minus strand). Cytogenetic location: 13q33.1.
Variant type: Insertion.
Coding change: c.591_592insTA on transcript NM_052867.4 (MANE Select); coding-DNA positions 591 to 592, TA inserted.
Protein change: p.Gln198fs; shifts the reading frame from glutamine 198.
Molecular consequence: frameshift variant.
Genome position: GRCh38 VCF-style: chr13-101376752-G-GTA. GRCh37 (hg19) VCF-style: chr13-102029103-G-GTA.
Other names: c.591_592insTA, p.Gln198fs (NM_001350748.2, NM_001350749.2, NM_001350750.2 and 1 more transcripts); short protein forms Q198fs.
Identifiers: ClinVar variation 2629457 (VCV002629457.3), dbSNP rs1308457240, ClinGen allele CA612359309.

ClinVar aggregate classification (germline): Likely pathogenic. Review status: criteria provided, multiple submitters, no conflicts (2 of 4 stars). 2 submissions from 2 submitters: Likely pathogenic (2). Last evaluated 2026-02-24.

Conditions:
NALCN-related disorder. Also called: NALCN-related condition; NALCN-related disorders.

Allele frequency attached by ClinVar (database versions not stated): gnomAD 0.00001; gnomAD exomes 0.00001; TOPMed 0.00002.

Submissions (2):

PreventionGenetics, part of Exact Sciences
Classification: Likely pathogenic for NALCN-related condition. Last evaluated: 2026-02-24. Review status: criteria provided, single submitter. Criteria: ACMG Guidelines, 2015. Collection method: clinical testing. Allele origin: germline.
Comment: The NALCN c.591_592insTA variant is predicted to result in a frameshift and premature protein termination (p.Gln198Tyrfs*13). To our knowledge, this variant has not been reported in the literature. This variant is reported in 0.00088% of alleles in individuals of European (Non-Finnish) descent in gnomAD. Frameshift variants in NALCN are expected to be pathogenic for autosomal recessive infantile hypotonia with psychomotor retardation and characteristic facies 1 (IHPRF1). This variant is interpreted as likely pathogenic.

GeneDx
Classification: Likely pathogenic. Last evaluated: 2026-01-29. Review status: criteria provided, single submitter. Criteria: GeneDx Variant Classification Process June 2021. Collection method: clinical testing. Allele origin: germline.
Comment: Frameshift variant predicted to result in protein truncation or nonsense mediated decay in a gene for which loss of function is a known mechanism of disease; Not observed at significant frequency in large population cohorts (gnomAD); Has not been previously published as pathogenic or benign to our knowledge